The following is an entry in ClinVar:

NM_001664.4(RHOA):c.409-605G>T

Gene: RHOA (ras homolog family member A; minus strand). Cytogenetic location: 3p21.31.
Variant type: single nucleotide variant.
Coding change: c.409-605G>T on transcript NM_001664.4 (MANE Select); 605 bases into the intron before coding-DNA position 409, G replaced by T.
Molecular consequence: intron variant. On other transcripts: missense variant (1).
Genome position (GRCh38, 1-based): chr3:49,360,987, C>A on the plus strand (G>T on the coding strand, the complement: RHOA is on the minus strand). VCF-style: chr3-49360987-C-A. GRCh37 (hg19) VCF-style: chr3-49398420-C-A.
Other names: c.488G>T, p.Arg163Leu (NM_001313943.2); c.166-605G>T (NM_001313945.2); c.349-605G>T (NM_001313944.2); c.157-605G>T (NM_001313946.2); c.*15-605G>T (NM_001313947.2); c.409-605G>T (NM_001313941.2); short protein forms R163L.
Identifiers: ClinVar variation 4279878 (VCV004279878.1).

ClinVar aggregate classification (germline): Uncertain significance (1 of 4 stars; one submission).

Conditions:
Ectodermal dysplasia with facial dysmorphism and acral, ocular, and brain anomalies. Also called: ECTODERMAL DYSPLASIA WITH FACIAL DYSMORPHISM AND ACRAL, OCULAR, AND BRAIN ANOMALIES, SOMATIC MOSAIC. Identifiers: MedGen C5231477, MONDO:0032884, OMIM 618727.

gnomAD v4.1: 4 of 290,490 alleles (0.0014%); highest among the groups gnomAD compares: Non-Finnish European, 0.0028%; no homozygotes.

Submission:

Clinical Genomics Laboratory, Washington University in St. Louis
Classification: Uncertain significance for Ectodermal dysplasia with facial dysmorphism and acral, ocular, and brain anomalies. Last evaluated: 2025-07-25. Review status: criteria provided, single submitter. Criteria: ACMG Guidelines, 2015. Collection method: clinical testing. Allele origin: germline.
Comment: A RHOA c.488G>T (p.Arg163Leu) variant was identified at a heterozygous allelic fraction of 52.8%, a frequency which may be consistent with it being of germline origin. This variant, to our knowledge, has not been reported in the medical literature. It is only observed on 4/290,490 alleles in the general population (gnomAD v4.1.0), indicating it is not a common variant. Computational predictors suggest that the variant does not impact RHOA function. Due to limited information, and based on ACMG/AMP guidelines for variant interpretation (Richards S et al., PMID: 25741868), the clinical significance of this variant is uncertain at this time.